The following is an entry in ClinVar:

ClinVar aggregate classification (germline): Uncertain significance (1 of 4 stars; one submission).

Conditions:
Familial cancer of breast. Also called: Hereditary breast cancer; hereditary breast carcinoma; BREAST CANCER, FAMILIAL. Identifiers: Orphanet 227535, MedGen C0346153, MONDO:0016419, OMIM 114480. Disease mechanism: loss of function.
Fanconi anemia complementation group J. Also called: BRIP1-Related Fanconi Anemia. Identifiers: Orphanet 84, MedGen C1836860, MONDO:0012187, OMIM 609054.

Allele frequency attached by ClinVar (database versions not stated): gnomAD exomes below 0.00001.
gnomAD v4.1: 1 of 1,613,198 alleles (0.000062%); highest among the groups gnomAD compares: East Asian, 0.0022%; no homozygotes.

Submission:

Labcorp Genetics (formerly Invitae), Labcorp
Classification: Uncertain significance for Familial cancer of breast; Fanconi anemia complementation group J. Last evaluated: 2016-11-22. Review status: criteria provided, single submitter. Criteria: Invitae Variant Classification Sherloc (09022015). Collection method: clinical testing. Allele origin: germline.
Comment: Algorithms developed to predict the effect of missense changes on protein structure and function do not agree on the potential impact of this missense change (SIFT: "Tolerated"; PolyPhen-2: "Probably Damaging"; Align-GVGD: "Class C0"). This variant is not present in population databases (ExAC no frequency) and has not been reported in the literature in individuals with a BRIP1-related disease. This sequence change replaces proline with leucine at codon 853 of the BRIP1 protein (p.Pro853Leu). The proline residue is highly conserved and there is a moderate physicochemical difference between proline and leucine. In summary, this variant is a novel missense change with uncertain impact on protein function. It has been classified as a Variant of Uncertain Significance.

NM_032043.3(BRIP1):c.2558C>T (p.Pro853Leu)

Gene: BRIP1 (BRCA1 interacting DNA helicase 1; minus strand). Cytogenetic location: 17q23.2.
Variant type: single nucleotide variant.
Coding change: c.2558C>T on transcript NM_032043.3 (MANE Select); coding-DNA position 2558, C replaced by T.
Protein change: p.Pro853Leu; replaces proline 853 with leucine.
Molecular consequence: missense variant.
Genome position (GRCh38, 1-based): chr17:61,693,447, G>A on the plus strand (C>T on the coding strand, the complement: BRIP1 is on the minus strand). VCF-style: chr17-61693447-G-A. GRCh37 (hg19) VCF-style: chr17-59770808-G-A.
Other names: short protein forms P853L.
Identifiers: ClinVar variation 407866 (VCV000407866.9), dbSNP rs1060501775, ClinGen allele CA16615499.
Genomic context (GRCh38, chr17:61,693,447, plus strand): 5'-AGATTGTTACTAGTTTTTACTCTAAGCCCAGCTGAGATCTTACCAGATATATAGCGACTT[G>A]GGTTATTCCTAAAGCGATCATCCACTAGAATAAGAGCTCCCCAATCATTTCTGTGTCTAA-3'
Protein context (NP_114432.2, residues 843-863): ILVDDRFRNN[Pro853Leu]SRYISGLSKW